The following is an entry in ClinVar:

NM_014846.4(WASHC5):c.2016+1G>A

Gene: WASHC5 (WASH complex subunit 5; minus strand). Cytogenetic location: 8q24.13.
Variant type: single nucleotide variant.
Coding change: c.2016+1G>A on transcript NM_014846.4 (MANE Select); the canonical splice donor site of the intron after coding-DNA position 2016, G replaced by A.
Molecular consequence: splice donor variant.
Genome position (GRCh38, 1-based): chr8:125,056,676, C>T on the plus strand (G>A on the coding strand, the complement: WASHC5 is on the minus strand). VCF-style: chr8-125056676-C-T. GRCh37 (hg19) VCF-style: chr8-126068918-C-T.
Other names: c.1572+1G>A (NM_001330609.2).
Identifiers: ClinVar variation 4687443 (VCV004687443.2).
Genomic context (GRCh38, chr8:125,056,676, plus strand): 5'-GTGATATTTCATGACTGTTAGTTTTTAATATGAAAAGGCAGAAGTCAGAGGGACACAGCA[C>T]CTCGTATCGTGGGCCTAGCTGAGCATAGTCCCTCAGCTTGTCTTTGTCCAGGCGGGTAGG-3'

ClinVar aggregate classification (germline): Conflicting classifications of pathogenicity. Review status: criteria provided, conflicting classifications (1 of 4 stars). 2 submissions from 2 submitters: Likely pathogenic (1); Uncertain significance (1). Last evaluated 2025-10-08.

Conditions:
Ritscher-Schinzel syndrome 1 (RTSC1). Identifiers: Orphanet 7, MedGen C4551776, MONDO:0009073, OMIM 220210.

gnomAD v4.1: 1 of 1,614,074 alleles (0.000062%); highest among the groups gnomAD compares: Non-Finnish European, 0.000085%; no homozygotes.

Submissions (2):

Women's Health and Genetics/Laboratory Corporation of America, LabCorp
Classification: Likely pathogenic for Ritscher-Schinzel syndrome 1. Last evaluated: 2025-10-08. Review status: criteria provided, single submitter. Criteria: LabCorp Variant Classification Summary - May 2015. Collection method: clinical testing. Allele origin: germline.
Comment: Variant summary: WASHC5 c.2016+1G>A is located in a canonical splice-site and is predicted to affect mRNA splicing resulting in a significantly altered protein due to either exon skipping, shortening, or inclusion of intronic material. Variants that disrupt the consensus splice site are a relatively common cause of aberrant splicing and loss of WASHC5 function. Several computational tools predict a significant impact on normal splicing: Two predict the variant abolishes a 5' splicing donor site. However, these predictions have yet to be confirmed by functional studies. The variant was absent in 251268 control chromosomes. To our knowledge, no occurrence of c.2016+1G>A in individuals affected with WASHC5-related conditions and no experimental evidence demonstrating its impact on protein function have been reported. No submitters have cited clinical-significance assessments for this variant to ClinVar. Based on the evidence outlined above, the variant was classified as likely pathogenic.

Blueprint Genetics
Classification: Uncertain significance. Last evaluated: 2021-08-12. Review status: criteria provided, single submitter. Criteria: ACMG Guidelines, 2015. Collection method: clinical testing. Allele origin: germline.